The following is an entry in ClinVar:

NM_020717.5(SHROOM4):c.2519C>T (p.Thr840Ile)

Gene: SHROOM4 (shroom family member 4; minus strand). Cytogenetic location: Xp11.22.
Variant type: single nucleotide variant.
Coding change: c.2519C>T on transcript NM_020717.5 (MANE Select); coding-DNA position 2519, C replaced by T.
Protein change: p.Thr840Ile; replaces threonine 840 with isoleucine.
Molecular consequence: missense variant. On other transcripts: non-coding transcript variant (4).
Genome position (GRCh38, 1-based): chrX:50,633,554, G>A on the plus strand (C>T on the coding strand, the complement: SHROOM4 is on the minus strand). VCF-style: chrX-50633554-G-A. GRCh37 (hg19) VCF-style: chrX-50376554-G-A.
Other names: short protein forms T840I.
Identifiers: ClinVar variation 1029772 (VCV001029772.1), dbSNP rs782154529, ClinGen allele CA413114685.
Genomic context (GRCh38, chrX:50,633,554, plus strand): 5'-CATTCTGAGTAAGTGGGAGTTTCTGACTGAAGGGGTGACATGGAATGATATGATTGGTCT[G>A]TGGCATGATATGGTTGGTCTGCGGAATGATATGATTGGTCCATGGGATGGCGCCTCAATT-3'
Protein context (NP_065768.2, residues 830-850): YHSADQPYHA[Thr840Ile]DQSYHSMSPL

ClinVar aggregate classification (germline): Uncertain significance (1 of 4 stars; one submission).

Conditions:
Intellectual developmental disorder, X-linked, syndromic, Stocco dos Santos type. Also called: STOCCO DOS SANTOS X-LINKED MENTAL RETARDATION SYNDROME; Stocco dos Santos syndrome; X-linked intellectual disability, Stocco dos Santos type. Identifiers: Orphanet 85288, MedGen C1845530, MONDO:0010325, OMIM 300434.

gnomAD v4.1: 2 of 1,211,943 alleles (0.00017%); highest among the groups gnomAD compares: Admixed American, 0.0022%; no homozygotes.

Submission:

Baylor Genetics
Classification: Uncertain significance for Intellectual developmental disorder, X-linked, syndromic, Stocco dos Santos type. Last evaluated: 2020-01-15. Review status: criteria provided, single submitter. Criteria: ACMG Guidelines, 2015. Collection method: clinical testing. Allele origin: unknown. Affected: yes.
Comment: This variant was determined to be of uncertain significance according to ACMG Guidelines, 2015 [PMID:25741868].